The following is an entry in ClinVar:

ClinVar aggregate classification (germline): Uncertain significance. Review status: criteria provided, multiple submitters, no conflicts (2 of 4 stars). 2 submissions from 2 submitters: Uncertain significance (2). Last evaluated 2024-04-05.

Conditions:
5-Oxoprolinase deficiency (OPLAHD). Also called: 5-OXOPROLINURIA DUE TO 5-OXOPROLINASE DEFICIENCY. Identifiers: Orphanet 33572, MedGen C0268525, MONDO:0009825, OMIM 260005, HP:0040142.

Allele frequency attached by ClinVar (database versions not stated): gnomAD 0.00002 and 0.00003; TOPMed 0.00003; ESP Exome Variant Server 0.00008.
gnomAD v4.1: 64 of 1,609,098 alleles (0.004%); highest among the groups gnomAD compares: Admixed American, 0.005%; no homozygotes.

Submissions (2):

Labcorp Genetics (formerly Invitae), Labcorp
Classification: Uncertain significance for 5-Oxoprolinase deficiency. Last evaluated: 2024-04-05. Review status: criteria provided, single submitter. Criteria: Invitae Variant Classification Sherloc (09022015). Collection method: clinical testing. Allele origin: germline.
Comment: This sequence change replaces glutamic acid, which is acidic and polar, with lysine, which is basic and polar, at codon 647 of the OPLAH protein (p.Glu647Lys). This variant is present in population databases (rs371821782, gnomAD 0.007%). This variant has not been reported in the literature in individuals affected with OPLAH-related conditions. ClinVar contains an entry for this variant (Variation ID: 966758). An algorithm developed to predict the effect of missense changes on protein structure and function (PolyPhen-2) suggests that this variant is likely to be tolerated. In summary, the available evidence is currently insufficient to determine the role of this variant in disease. Therefore, it has been classified as a Variant of Uncertain Significance.

Ambry Genetics
Classification: Uncertain significance. Last evaluated: 2023-12-09. Review status: criteria provided, single submitter. Criteria: Ambry Variant Classification Scheme 2023. Collection method: clinical testing. Allele origin: germline.

NM_017570.5(OPLAH):c.1939G>A (p.Glu647Lys)

Gene: OPLAH (5-oxoprolinase, ATP-hydrolysing; minus strand). Cytogenetic location: 8q24.3.
Variant type: single nucleotide variant.
Coding change: c.1939G>A on transcript NM_017570.5 (MANE Select); coding-DNA position 1939, G replaced by A.
Protein change: p.Glu647Lys; replaces glutamic acid 647 with lysine.
Molecular consequence: missense variant.
Genome position (GRCh38, 1-based): chr8:144,056,429, C>T on the plus strand (G>A on the coding strand, the complement: OPLAH is on the minus strand). VCF-style: chr8-144056429-C-T. GRCh37 (hg19) VCF-style: chr8-145111332-C-T.
Other names: c.1939G>A (NM_017570.3); short protein forms E647K.
Identifiers: ClinVar variation 966758 (VCV000966758.8), dbSNP rs371821782, ClinGen allele CA4931653.